The following is an entry in ClinVar:

NM_020774.4(MIB1):c.2473A>G (p.Met825Val)

Gene: MIB1 (MIB E3 ubiquitin protein ligase 1; plus strand). Cytogenetic location: 18q11.2.
Variant type: single nucleotide variant.
Coding change: c.2473A>G on transcript NM_020774.4 (MANE Select); coding-DNA position 2473, A replaced by G.
Protein change: p.Met825Val; replaces methionine 825 with valine.
Molecular consequence: missense variant.
Genome position (GRCh38, 1-based): chr18:21,849,275, A>G. VCF-style: chr18-21849275-A-G. GRCh37 (hg19) VCF-style: chr18-19429236-A-G.
Other names: c.2473A>G (NM_020774.2); short protein forms M825V.
Identifiers: ClinVar variation 2875710 (VCV002875710.4), dbSNP rs2510595424, ClinGen allele CA401796250.

ClinVar aggregate classification (germline): Uncertain significance. Review status: criteria provided, multiple submitters, no conflicts (2 of 4 stars). 2 submissions from 2 submitters: Uncertain significance (2). Last evaluated 2024-08-19.

Conditions:
Inborn genetic diseases. Identifiers: MedGen C0950123, MeSH D030342.

Submissions (2):

Ambry Genetics
Classification: Uncertain significance for Inborn genetic diseases. Last evaluated: 2024-08-19. Review status: criteria provided, single submitter. Criteria: Ambry Variant Classification Scheme 2023. Collection method: clinical testing. Allele origin: germline.
Comment: The p.M825V variant (also known as c.2473A>G), located in coding exon 17 of the MIB1 gene, results from an A to G substitution at nucleotide position 2473. The methionine at codon 825 is replaced by valine, an amino acid with highly similar properties. This amino acid position is conserved. In addition, the in silico prediction for this alteration is inconclusive. Based on the available evidence, the clinical significance of this variant remains unclear.

Labcorp Genetics (formerly Invitae), Labcorp
Classification: Uncertain significance. Last evaluated: 2023-08-11. Review status: criteria provided, single submitter. Criteria: Invitae Variant Classification Sherloc (09022015). Collection method: clinical testing. Allele origin: germline.
Comment: In summary, the available evidence is currently insufficient to determine the role of this variant in disease. Therefore, it has been classified as a Variant of Uncertain Significance. This sequence change replaces methionine, which is neutral and non-polar, with valine, which is neutral and non-polar, at codon 825 of the MIB1 protein (p.Met825Val). This variant is not present in population databases (gnomAD no frequency). This variant has not been reported in the literature in individuals affected with MIB1-related conditions. An algorithm developed to predict the effect of missense changes on protein structure and function (PolyPhen-2) suggests that this variant is likely to be tolerated.